The following is an entry in ClinVar:

ClinVar aggregate classification (germline): Uncertain significance. Review status: criteria provided, single submitter (1 of 4 stars). 2 submissions from 2 submitters: Uncertain significance (1). 1 of the submissions does not count toward it. Last evaluated 2024-10-08.

Conditions:
TRPC5-related disorder. Also called: TRPC5-related condition.

Allele frequency attached by ClinVar (database versions not stated): ExAC 0.00007; gnomAD 0.00011; gnomAD exomes 0.00012; TOPMed 0.00012; 1000 Genomes Project 30x 0.00021; 1000 Genomes Project 0.00026.
gnomAD v4.1: 142 of 1,198,204 alleles (0.012%); highest among the groups gnomAD compares: Middle Eastern, 0.023%; no homozygotes.

Submissions (2):

Ambry Genetics
Classification: Uncertain significance. Last evaluated: 2024-10-08. Review status: criteria provided, single submitter. Criteria: Ambry Variant Classification Scheme 2023. Collection method: clinical testing. Allele origin: germline.

PreventionGenetics, part of Exact Sciences
Classification: Likely benign for TRPC5-related condition. Last evaluated: 2023-12-30. Review status: no assertion criteria provided. Collection method: clinical testing. Allele origin: germline. Not counted in ClinVar's aggregate classification.
Comment: This variant is classified as likely benign based on ACMG/AMP sequence variant interpretation guidelines (Richards et al. 2015 PMID: 25741868, with internal and published modifications).

NM_012471.3(TRPC5):c.401C>T (p.Thr134Met)

Gene: TRPC5 (transient receptor potential cation channel subfamily C member 5; minus strand). Cytogenetic location: Xq23.
Variant type: single nucleotide variant.
Coding change: c.401C>T on transcript NM_012471.3 (MANE Select); coding-DNA position 401, C replaced by T.
Protein change: p.Thr134Met; replaces threonine 134 with methionine.
Molecular consequence: missense variant.
Genome position (GRCh38, 1-based): chrX:111,912,790, G>A on the plus strand (C>T on the coding strand, the complement: TRPC5 is on the minus strand). VCF-style: chrX-111912790-G-A. GRCh37 (hg19) VCF-style: chrX-111156018-G-A.
Other names: short protein forms T134M.
Identifiers: ClinVar variation 2404569 (VCV002404569.6), dbSNP rs778578106, ClinGen allele CA10494408.
Genomic context (GRCh38, chrX:111,912,790, plus strand): 5'-TTGTTGGTGTGGGCAGCCAGCATGATGGGAGTGATGTCCGGTGTGAATTCAGAGAACTGC[G>A]TGTCCATCATCAGAGTGGGGACCTAGGTACAAGAAATGAGAAGAATAGAAGGGCAGGATT-3'
Protein context (NP_036603.1, residues 124-144): EKQVPTLMMD[Thr134Met]QFSEFTPDIT